The following is an entry in ClinVar:

NM_001017995.3(SH3PXD2B):c.443C>T (p.Ser148Leu)

Gene: SH3PXD2B (SH3 and PX domains 2B; minus strand). Cytogenetic location: 5q35.1.
Variant type: single nucleotide variant.
Coding change: c.443C>T on transcript NM_001017995.3 (MANE Select); coding-DNA position 443, C replaced by T.
Protein change: p.Ser148Leu; replaces serine 148 with leucine.
Molecular consequence: missense variant.
Genome position (GRCh38, 1-based): chr5:172,362,854, G>A on the plus strand (C>T on the coding strand, the complement: SH3PXD2B is on the minus strand). VCF-style: chr5-172362854-G-A. GRCh37 (hg19) VCF-style: chr5-171789858-G-A.
Other names: c.443C>T, p.Ser148Leu (NM_001308175.2); short protein forms S148L.
Identifiers: ClinVar variation 3953802 (VCV003953802.2).

ClinVar aggregate classification (germline): Uncertain significance. Review status: criteria provided, multiple submitters, no conflicts (2 of 4 stars). 2 submissions from 2 submitters: Uncertain significance (2). Last evaluated 2026-01-26.

Conditions:
Inborn genetic diseases. Identifiers: MedGen C0950123, MeSH D030342.

gnomAD v4.1: 140 of 1,614,062 alleles (0.0087%); highest among the groups gnomAD compares: Non-Finnish European, 0.011%; no homozygotes.

Submissions (2):

Labcorp Genetics (formerly Invitae), Labcorp
Classification: Uncertain significance. Last evaluated: 2026-01-26. Review status: criteria provided, single submitter. Criteria: Invitae Variant Classification Sherloc (09022015). Collection method: clinical testing. Allele origin: germline.
Comment: This sequence change replaces serine, which is neutral and polar, with leucine, which is neutral and non-polar, at codon 148 of the SH3PXD2B protein (p.Ser148Leu). This variant is present in population databases (rs139843395, gnomAD 0.007%). This variant has not been reported in the literature in individuals affected with SH3PXD2B-related conditions. ClinVar contains an entry for this variant (Variation ID: 3953802). An algorithm developed to predict the effect of missense changes on protein structure and function (PolyPhen-2) suggests that this variant is likely to be tolerated. In summary, the available evidence is currently insufficient to determine the role of this variant in disease. Therefore, it has been classified as a Variant of Uncertain Significance.

Ambry Genetics
Classification: Uncertain significance for Inborn genetic diseases. Last evaluated: 2025-06-09. Review status: criteria provided, single submitter. Criteria: Ambry Variant Classification Scheme 2023. Collection method: clinical testing. Allele origin: germline.